The following is an entry in ClinVar:

ClinVar aggregate classification (germline): Uncertain significance (1 of 4 stars; one submission).

Submission:

Labcorp Genetics (formerly Invitae), Labcorp
Classification: Uncertain significance. Last evaluated: 2023-07-09. Review status: criteria provided, single submitter. Criteria: Invitae Variant Classification Sherloc (09022015). Collection method: clinical testing. Allele origin: germline.
Comment: In summary, the available evidence is currently insufficient to determine the role of this variant in disease. Therefore, it has been classified as a Variant of Uncertain Significance. This variant has not been reported in the literature in individuals affected with FBXO11-related conditions. This variant is not present in population databases (gnomAD no frequency). This variant, c.160_161insCGCCCC, results in the insertion of 2 amino acid(s) of the FBXO11 protein (p.Gln53_Gln54insProPro), but otherwise preserves the integrity of the reading frame.

NM_001190274.2(FBXO11):c.160_161insCGCCCC (p.Gln53_Gln54insProPro)

Genes: FBXO11 (F-box protein 11; minus strand), LOC100506235 (uncharacterized LOC100506235; plus strand). Cytogenetic location: 2p16.3.
Variant type: Microsatellite.
Coding change: c.160_161insCGCCCC on transcript NM_001190274.2 (MANE Select); coding-DNA positions 160 to 161, CGCCCC inserted.
Protein change: p.Gln53_Gln54insProPro.
Molecular consequence: non-coding transcript variant (on NR_187636.1).
Genome position: GRCh38 VCF-style: chr2-47905560-T-TGGGGCG. GRCh37 (hg19) VCF-style: chr2-48132699-T-TGGGGCG.
Identifiers: ClinVar variation 2873662 (VCV002873662.3), dbSNP rs1553364335.